The following is an entry in ClinVar:

NM_001042492.3(NF1):c.5060G>C (p.Arg1687Thr)

Gene: NF1 (neurofibromin 1; plus strand). Cytogenetic location: 17q11.2.
Variant type: single nucleotide variant.
Coding change: c.5060G>C on transcript NM_001042492.3 (MANE Select); coding-DNA position 5060, G replaced by C.
Protein change: p.Arg1687Thr; replaces arginine 1687 with threonine.
Molecular consequence: missense variant.
Genome position (GRCh38, 1-based): chr17:31,326,044, G>C. VCF-style: chr17-31326044-G-C. GRCh37 (hg19) VCF-style: chr17-29653062-G-C.
Other names: c.4997G>C, p.Arg1666Thr (NM_000267.4); short protein forms R1666T, R1687T.
Identifiers: ClinVar variation 2087955 (VCV002087955.4), dbSNP rs2151538312, ClinGen allele CA399007422.

ClinVar aggregate classification (germline): Uncertain significance (1 of 4 stars; one submission).

Conditions:
Neurofibromatosis, type 1 (NF1). Also called: NEUROFIBROMATOSIS, TYPE I, SOMATIC; Neurofibromatosis, type I; Peripheral type neurofibromatosis; VON RECKLINGHAUSEN DISEASE. Identifiers: Orphanet 636, MedGen C0027831, MONDO:0018975, OMIM 162200. Disease mechanism: loss of function.

Submission:

Labcorp Genetics (formerly Invitae), Labcorp
Classification: Uncertain significance for Neurofibromatosis, type 1. Last evaluated: 2022-01-19. Review status: criteria provided, single submitter. Criteria: Invitae Variant Classification Sherloc (09022015). Collection method: clinical testing. Allele origin: germline.
Comment: This variant has not been reported in the literature in individuals affected with NF1-related conditions. In summary, the available evidence is currently insufficient to determine the role of this variant in disease. Therefore, it has been classified as a Variant of Uncertain Significance. Advanced modeling of protein sequence and biophysical properties (such as structural, functional, and spatial information, amino acid conservation, physicochemical variation, residue mobility, and thermodynamic stability) performed at Invitae indicates that this missense variant is expected to disrupt NF1 protein function. This variant is not present in population databases (gnomAD no frequency). This sequence change replaces arginine, which is basic and polar, with threonine, which is neutral and polar, at codon 1666 of the NF1 protein (p.Arg1666Thr).